The following is an entry in ClinVar:

NM_017636.4(TRPM4):c.1263G>T (p.Arg421=)

Gene: TRPM4 (transient receptor potential cation channel subfamily M member 4; plus strand). Cytogenetic location: 19q13.33.
Variant type: single nucleotide variant.
Coding change: c.1263G>T on transcript NM_017636.4 (MANE Select); coding-DNA position 1263, G replaced by T.
Protein change: p.Arg421=; no amino-acid change (arginine 421 retained).
Molecular consequence: synonymous variant. On other transcripts: 5 prime UTR variant (1), intron variant (1).
Genome position (GRCh38, 1-based): chr19:49,181,461, G>T. VCF-style: chr19-49181461-G-T. GRCh37 (hg19) VCF-style: chr19-49684718-G-T.
Other names: c.1263G>T, p.Arg421= (NM_001195227.2); c.918G>T, p.Arg306= (NM_001321281.2); c.-291G>T (NM_001321282.2); c.741G>T, p.Arg247= (NM_001321283.2); c.202-1117G>T (NM_001321285.2).
Identifiers: ClinVar variation 2718443 (VCV002718443.3), dbSNP rs766439317, ClinGen allele CA508101752.
Genomic context (GRCh38, chr19:49,181,461, plus strand): 5'-GGCTTGGAACCGCGTGGACATTGCCCAGAGTGAACTCTTTCGGGGGGACATCCAATGGCG[G>T]GTGAGGGGTCAGGGCCTGGGGGTTGGGCATACTGACAAAGGGACTGTGCTGTCCTCCCTC-3'
Protein context (NP_060106.2, residues 411-431): SELFRGDIQW[Arg421=]SFHLEASLMD

ClinVar aggregate classification (germline): Uncertain significance (1 of 4 stars; one submission).

Conditions:
Progressive familial heart block type IB (PFHB1B). Identifiers: Orphanet 871, MedGen C1970298, MONDO:0011474, OMIM 604559.

gnomAD v4.1: 1 of 1,611,940 alleles (0.000062%); highest among the groups gnomAD compares: Non-Finnish European, 0.000085%; no homozygotes.

Submission:

Labcorp Genetics (formerly Invitae), Labcorp
Classification: Uncertain significance for Progressive familial heart block type IB. Last evaluated: 2023-01-28. Review status: criteria provided, single submitter. Criteria: Invitae Variant Classification Sherloc (09022015). Collection method: clinical testing. Allele origin: germline.
Comment: This variant is not present in population databases (gnomAD no frequency). This sequence change affects codon 421 of the TRPM4 mRNA. It is a 'silent' change, meaning that it does not change the encoded amino acid sequence of the TRPM4 protein. This variant also falls at the last nucleotide of exon 10, which is part of the consensus splice site for this exon. This variant has not been reported in the literature in individuals affected with TRPM4-related conditions. In summary, the available evidence is currently insufficient to determine the role of this variant in disease. Therefore, it has been classified as a Variant of Uncertain Significance. Variants that disrupt the consensus splice site are a relatively common cause of aberrant splicing (PMID: 17576681, 9536098). Algorithms developed to predict the effect of sequence changes on RNA splicing suggest that this variant may disrupt the consensus splice site.

Literature cited by the submitters: PubMed 17576681; PubMed 9536098.